The following is an entry in ClinVar:

ClinVar aggregate classification (germline): Pathogenic (1 of 4 stars; one submission).

Conditions:
Congenital myasthenic syndrome 8. Also called: Myasthenic syndrome, congenital, 8, with pre- and postsynaptic defects; MYASTHENIC SYNDROME, CONGENITAL, DUE TO AGRIN DEFICIENCY. Identifiers: Orphanet 590, MedGen C3808739, MONDO:0014052, OMIM 615120.

Submission:

Labcorp Genetics (formerly Invitae), Labcorp
Classification: Pathogenic for Myasthenic syndrome, congenital, 8. Last evaluated: 2019-12-02. Review status: criteria provided, single submitter. Criteria: Invitae Variant Classification Sherloc (09022015). Collection method: clinical testing. Allele origin: germline.
Comment: A gross deletion of the genomic region encompassing the full coding sequence of the AGRN gene has been identified. The boundaries of this event are unknown as the deletion extends beyond the assayed region for this gene and therefore may encompass additional genes. Isolated whole-gene deletions of AGRN have not been reported in the literature. However, larger copy number events that include this gene have been reported (PMID: 24951643). Loss-of-function variants in AGRN are known to be pathogenic (PMID: 24951643). For these reasons, this variant has been classified as Pathogenic.

Literature cited by the submitters: PubMed 24951643.

NC_000001.10:g.(?_955543)_(2238214_?)del

Genes: SLC35E2A (solute carrier family 35 member E2A; minus strand), SLC35E2B (solute carrier family 35 member E2B; minus strand), SSU72 (SSU72 homolog, RNA polymerase II CTD phosphatase; minus strand), TAS1R3 (taste 1 receptor member 3; plus strand), TTLL10 (tubulin tyrosine ligase like 10; plus strand) and 43 more. Cytogenetic location: 1p36.33.
Variant type: Deletion.
Identifiers: ClinVar variation 832780 (VCV000832780.1).